The following is an entry in ClinVar:

ClinVar aggregate classification (germline): Uncertain significance (1 of 4 stars; one submission).

Conditions:
Hereditary cancer-predisposing syndrome. Also called: Neoplastic Syndromes, Hereditary; Tumor predisposition; Hereditary Cancer Syndrome; Hereditary neoplastic syndrome. Identifiers: Orphanet 140162, MedGen C0027672, MeSH D009386, MONDO:0015356.

Submission:

Ambry Genetics
Classification: Uncertain significance for Hereditary cancer-predisposing syndrome. Last evaluated: 2025-08-23. Review status: criteria provided, single submitter. Criteria: Ambry Variant Classification Scheme 2023. Collection method: clinical testing. Allele origin: germline.
Comment: The p.T395P variant (also known as c.1183A>C), located in coding exon 10 of the SMARCE1 gene, results from an A to C substitution at nucleotide position 1183. The threonine at codon 395 is replaced by proline, an amino acid with highly similar properties. This amino acid position is conserved. In addition, this alteration is predicted to be tolerated by in silico analysis. Based on the available evidence, the clinical significance of this variant remains unclear.

NM_003079.5(SMARCE1):c.1183A>C (p.Thr395Pro)

Gene: SMARCE1 (SWI/SNF related BAF chromatin remodeling complex subunit E1; minus strand). Cytogenetic location: 17q21.2.
Variant type: single nucleotide variant.
Coding change: c.1183A>C on transcript NM_003079.5 (MANE Select); coding-DNA position 1183, A replaced by C.
Protein change: p.Thr395Pro; replaces threonine 395 with proline.
Molecular consequence: missense variant.
Genome position (GRCh38, 1-based): chr17:40,628,838, T>G on the plus strand (A>C on the coding strand, the complement: SMARCE1 is on the minus strand). VCF-style: chr17-40628838-T-G. GRCh37 (hg19) VCF-style: chr17-38785090-T-G.
Other names: short protein forms T395P.
Identifiers: ClinVar variation 4170328 (VCV004170328.1).